The following is an entry in ClinVar:

ClinVar aggregate classification (germline): Uncertain significance (1 of 4 stars; one submission).

gnomAD v4.1: 1 of 1,607,506 alleles (0.000062%); no homozygotes.

Submission:

GeneDx
Classification: Uncertain significance. Last evaluated: 2020-02-11. Review status: criteria provided, single submitter. Criteria: GeneDx Variant Classification Process June 2021. Collection method: clinical testing. Allele origin: germline. Affected: yes.
Comment: Not observed in large population cohorts (Lek et al., 2016); In silico analysis supports that this missense variant has a deleterious effect on protein structure/function; Has not been previously published as pathogenic or benign to our knowledge

NM_018136.5(ASPM):c.9646A>G (p.Arg3216Gly)

Gene: ASPM (assembly factor for spindle microtubules; minus strand). Cytogenetic location: 1q31.3.
Variant type: single nucleotide variant.
Coding change: c.9646A>G on transcript NM_018136.5 (MANE Select); coding-DNA position 9646, A replaced by G.
Protein change: p.Arg3216Gly; replaces arginine 3216 with glycine.
Molecular consequence: missense variant.
Genome position (GRCh38, 1-based): chr1:197,090,379, T>C on the plus strand (A>G on the coding strand, the complement: ASPM is on the minus strand). VCF-style: chr1-197090379-T-C. GRCh37 (hg19) VCF-style: chr1-197059509-T-C.
Other names: c.4891A>G, p.Arg1631Gly (NM_001206846.2); short protein forms R1631G, R3216G.
Identifiers: ClinVar variation 1315326 (VCV001315326.2), dbSNP rs1656740791, ClinGen allele CA344002113.